The following is an entry in ClinVar:

NM_024079.5(ALG8):c.368+1G>A

Gene: ALG8 (ALG8 alpha-1,3-glucosyltransferase; minus strand). Cytogenetic location: 11q14.1.
Variant type: single nucleotide variant.
Coding change: c.368+1G>A on transcript NM_024079.5 (MANE Select); the canonical splice donor site of the intron after coding-DNA position 368, G replaced by A.
Molecular consequence: splice donor variant.
Genome position (GRCh38, 1-based): chr11:78,124,020, C>T on the plus strand (G>A on the coding strand, the complement: ALG8 is on the minus strand). VCF-style: chr11-78124020-C-T. GRCh37 (hg19) VCF-style: chr11-77835066-C-T.
Other names: c.368+1G>A (NM_001007027.3).
Identifiers: ClinVar variation 2796277 (VCV002796277.3), dbSNP rs2497112638, ClinGen allele CA382120592.

ClinVar aggregate classification (germline): Likely pathogenic (1 of 4 stars; one submission).

Conditions:
ALG8 congenital disorder of glycosylation. Also called: CDG Ih; ALG8-CDG; CONGENITAL DISORDER OF GLYCOSYLATION, TYPE Ih. Identifiers: Orphanet 79325, MedGen C2931002, MONDO:0011969, OMIM 608104.

Allele frequency attached by ClinVar (database versions not stated): gnomAD exomes below 0.00001.
gnomAD v4.1: 2 of 1,614,102 alleles (0.00012%); highest among the groups gnomAD compares: Non-Finnish European, 0.00017%; no homozygotes.

Submission:

Labcorp Genetics (formerly Invitae), Labcorp
Classification: Likely pathogenic for ALG8 congenital disorder of glycosylation. Last evaluated: 2023-07-19. Review status: criteria provided, single submitter. Criteria: Invitae Variant Classification Sherloc (09022015). Collection method: clinical testing. Allele origin: germline.
Comment: Algorithms developed to predict the effect of sequence changes on RNA splicing suggest that this variant may disrupt the consensus splice site. In summary, the currently available evidence indicates that the variant is pathogenic, but additional data are needed to prove that conclusively. Therefore, this variant has been classified as Likely Pathogenic. This variant has not been reported in the literature in individuals affected with ALG8-related conditions. This variant is not present in population databases (gnomAD no frequency). This sequence change affects a donor splice site in intron 3 of the ALG8 gene. It is expected to disrupt RNA splicing. Variants that disrupt the donor or acceptor splice site typically lead to a loss of protein function (PMID: 16199547), and loss-of-function variants in ALG8 are known to be pathogenic (PMID: 19862844).

Literature cited by the submitters: PubMed 16199547; PubMed 19862844.